The following is an entry in ClinVar:

ClinVar aggregate classification (germline): Uncertain significance (1 of 4 stars; one submission).

gnomAD v4.1: 55 of 1,613,880 alleles (0.0034%); highest among the groups gnomAD compares: Non-Finnish European, 0.00068%; no homozygotes.

Submission:

GeneDx
Classification: Uncertain significance. Last evaluated: 2025-06-23. Review status: criteria provided, single submitter. Criteria: GeneDx Variant Classification Process June 2021. Collection method: clinical testing. Allele origin: germline. Affected: yes.
Comment: In silico analysis suggests that this missense variant does not alter protein structure/function; Has not been previously published as pathogenic or benign to our knowledge

NM_005548.3(KARS1):c.135G>C (p.Glu45Asp)

Gene: KARS1 (lysyl-tRNA synthetase 1; minus strand). Cytogenetic location: 16q23.1.
Variant type: single nucleotide variant.
Coding change: c.135G>C on transcript NM_005548.3 (MANE Select); coding-DNA position 135, G replaced by C.
Protein change: p.Glu45Asp; replaces glutamic acid 45 with aspartic acid.
Molecular consequence: missense variant. On other transcripts: 5 prime UTR variant (1).
Genome position (GRCh38, 1-based): chr16:75,641,651, C>G on the plus strand (G>C on the coding strand, the complement: KARS1 is on the minus strand). VCF-style: chr16-75641651-C-G. GRCh37 (hg19) VCF-style: chr16-75675549-C-G.
Other names: c.219G>C, p.Glu73Asp (NM_001130089.2); c.-334G>C (NM_001378148.1); short protein forms E45D, E73D.
Identifiers: ClinVar variation 4540059 (VCV004540059.1).